The following is an entry in ClinVar:

NM_024652.6(LRRK1):c.5821C>T (p.Arg1941Trp)

Genes: LRRK1 (leucine rich repeat kinase 1; plus strand), LRRK1-AS1 (LRRK1 antisense RNA 1; minus strand). Cytogenetic location: 15q26.3.
Variant type: single nucleotide variant.
Coding change: c.5821C>T on transcript NM_024652.6 (MANE Select); coding-DNA position 5821, C replaced by T.
Protein change: p.Arg1941Trp; replaces arginine 1941 with tryptophan.
Molecular consequence: missense variant.
Genome position (GRCh38, 1-based): chr15:101,066,692, C>T. VCF-style: chr15-101066692-C-T. GRCh37 (hg19) VCF-style: chr15-101606897-C-T.
Other names: c.5821C>T (NM_024652.5); short protein forms R1941W.
Identifiers: ClinVar variation 1644862 (VCV001644862.10), dbSNP rs373695236, ClinGen allele CA7762262.

ClinVar aggregate classification (germline): Benign. Review status: criteria provided, single submitter (1 of 4 stars). 2 submissions from 2 submitters: Benign (1). 1 of the submissions does not count toward it. Last evaluated 2026-01-26.

Conditions:
LRRK1-related disorder. Also called: LRRK1-related condition.

Allele frequency attached by ClinVar (database versions not stated): gnomAD exomes 0.00043; ExAC 0.00046; 1000 Genomes Project 0.00120; 1000 Genomes Project 30x 0.00125; gnomAD 0.00201 and 0.00222; ESP Exome Variant Server 0.00206; TOPMed 0.00223.

Submissions (2):

Labcorp Genetics (formerly Invitae), Labcorp
Classification: Benign. Last evaluated: 2026-01-26. Review status: criteria provided, single submitter. Criteria: Invitae Variant Classification Sherloc (09022015). Collection method: clinical testing. Allele origin: germline.

PreventionGenetics, part of Exact Sciences
Classification: Likely benign for LRRK1-related condition. Last evaluated: 2019-07-30. Review status: no assertion criteria provided. Collection method: clinical testing. Allele origin: germline. Not counted in ClinVar's aggregate classification.
Comment: This variant is classified as likely benign based on ACMG/AMP sequence variant interpretation guidelines (Richards et al. 2015 PMID: 25741868, with internal and published modifications).